The following is an entry in ClinVar:

NM_000548.5(TSC2):c.976-44G>A

Gene: TSC2 (TSC complex subunit 2; plus strand). Cytogenetic location: 16p13.3.
Variant type: single nucleotide variant.
Coding change: c.976-44G>A on transcript NM_000548.5 (MANE Select); 44 bases into the intron before coding-DNA position 976, G replaced by A.
Molecular consequence: intron variant.
Genome position (GRCh38, 1-based): chr16:2,060,626, G>A. VCF-style: chr16-2060626-G-A. GRCh37 (hg19) VCF-style: chr16-2110627-G-A.
Other names: c.976-44G>A (NM_001114382.3, NM_021055.3, NM_001370405.1 and 3 more transcripts); c.865-44G>A (NM_001318827.2); c.376-44G>A (NM_001318831.2); c.829-44G>A (NM_001318829.2); c.1009-44G>A (NM_001318832.2).
Identifiers: ClinVar variation 675803 (VCV000675803.1), dbSNP rs188449241, ClinGen allele CA056841.

ClinVar aggregate classification (germline): Likely benign (1 of 4 stars; one submission).

Allele frequency attached by ClinVar (database versions not stated): gnomAD exomes 0.00047 and 0.00122; ExAC 0.00150; 1000 Genomes Project 0.00399; gnomAD 0.00399 and 0.00431; 1000 Genomes Project 30x 0.00468; TOPMed 0.00483; ESP Exome Variant Server 0.00492.
gnomAD v4.1: 1,318 of 1,613,418 alleles (0.082%); highest among the groups gnomAD compares: African/African-American, 1.4%; 8 homozygotes.

Submission:

GeneDx
Classification: Likely benign. Last evaluated: 2018-06-14. Review status: criteria provided, single submitter. Criteria: GeneDx Variant Classification (06012015). Collection method: clinical testing. Allele origin: germline. Affected: yes.
Comment: This variant is considered likely benign or benign based on one or more of the following criteria: it is a conservative change, it occurs at a poorly conserved position in the protein, it is predicted to be benign by multiple in silico algorithms, and/or has population frequency not consistent with disease.